The following is an entry in ClinVar:

ClinVar aggregate classification (germline): Uncertain significance (1 of 4 stars; one submission).

gnomAD v4.1: 3 of 1,613,090 alleles (0.00019%); highest among the groups gnomAD compares: Admixed American, 0.0017%; no homozygotes.

Submission:

Labcorp Genetics (formerly Invitae), Labcorp
Classification: Uncertain significance. Last evaluated: 2024-11-16. Review status: criteria provided, single submitter. Criteria: Invitae Variant Classification Sherloc (09022015). Collection method: clinical testing. Allele origin: germline.
Comment: This sequence change replaces valine, which is neutral and non-polar, with methionine, which is neutral and non-polar, at codon 199 of the RELB protein (p.Val199Met). This variant is not present in population databases (gnomAD no frequency). This missense change has been observed in individual(s) with RELB deficiency (PMID: 33057194, 35982159). An algorithm developed to predict the effect of missense changes on protein structure and function (PolyPhen-2) suggests that this variant is likely to be disruptive. In summary, the available evidence is currently insufficient to determine the role of this variant in disease. Therefore, it has been classified as a Variant of Uncertain Significance.

Literature cited by the submitters: PubMed 33057194; PubMed 35982159.

NM_006509.4(RELB):c.595G>A (p.Val199Met)

Gene: RELB (RELB proto-oncogene, NF-kB subunit; plus strand). Cytogenetic location: 19q13.32.
Variant type: single nucleotide variant.
Coding change: c.595G>A on transcript NM_006509.4 (MANE Select); coding-DNA position 595, G replaced by A.
Protein change: p.Val199Met; replaces valine 199 with methionine.
Molecular consequence: missense variant.
Genome position (GRCh38, 1-based): chr19:45,022,143, G>A. VCF-style: chr19-45022143-G-A. GRCh37 (hg19) VCF-style: chr19-45525401-G-A.
Other names: c.586G>A, p.Val196Met (NM_001411087.1); short protein forms V196M, V199M.
Identifiers: ClinVar variation 3674642 (VCV003674642.2).